The following is an entry in ClinVar:

NM_001003722.2(GLE1):c.327del (p.Asp110fs)

Gene: GLE1 (GLE1 RNA export mediator; plus strand). Cytogenetic location: 9q34.11.
Variant type: Deletion.
Coding change: c.327del on transcript NM_001003722.2 (MANE Select); coding-DNA position 327, one base deleted (A; older notation c.327delA).
Protein change: p.Asp110fs; shifts the reading frame from aspartic acid 110.
Molecular consequence: frameshift variant.
Genome position (GRCh38, 1-based): chr9:128,515,534, A deleted; the last of 3 consecutive A bases (chr9:128,515,532-128,515,534); deleting any one gives the same sequence. VCF-style (leftmost placement, unchanged base first): chr9-128515531-CA-C. GRCh37 (hg19) VCF-style: chr9-131277810-CA-C.
Other names: c.327del, p.Asp110fs (NM_001499.2); short protein forms D110fs.
Identifiers: ClinVar variation 1452661 (VCV001452661.6), dbSNP rs2132430052, ClinGen allele CA2573144017.

ClinVar aggregate classification (germline): Pathogenic (1 of 4 stars; one submission).

Submission:

Labcorp Genetics (formerly Invitae), Labcorp
Classification: Pathogenic. Last evaluated: 2023-09-21. Review status: criteria provided, single submitter. Criteria: Invitae Variant Classification Sherloc (09022015). Collection method: clinical testing. Allele origin: germline.
Comment: This variant is not present in population databases (gnomAD no frequency). This sequence change creates a premature translational stop signal (p.Asp110Metfs*32) in the GLE1 gene. It is expected to result in an absent or disrupted protein product. Loss-of-function variants in GLE1 are known to be pathogenic (PMID: 18204449, 24243016, 27684565). This variant has not been reported in the literature in individuals affected with GLE1-related conditions. For these reasons, this variant has been classified as Pathogenic. ClinVar contains an entry for this variant (Variation ID: 1452661).

Literature cited by the submitters: PubMed 18204449; PubMed 24243016; PubMed 27684565.